The following is an entry in ClinVar:

ClinVar aggregate classification (germline): Likely benign. Review status: criteria provided, multiple submitters, no conflicts (2 of 4 stars). 3 submissions from 3 submitters: Likely benign (3). Last evaluated 2026-07-27.

Conditions:
SLC24A1-related disorder. Also called: SLC24A1-related condition.

Allele frequency attached by ClinVar (database versions not stated): gnomAD 0.00003; TOPMed 0.00003; gnomAD exomes 0.00004 and 0.00007; ExAC 0.00005.
gnomAD v4.1: 62 of 1,613,932 alleles (0.0038%); highest among the groups gnomAD compares: Admixed American, 0.027%; no homozygotes.

Submissions (3):

PreventionGenetics, part of Exact Sciences
Classification: Likely benign for SLC24A1-related condition. Last evaluated: 2026-07-27. Review status: criteria provided, single submitter. Criteria: ACMG Guidelines, 2015. Collection method: clinical testing. Allele origin: germline.
Comment: This variant is classified as likely benign based on ACMG/AMP sequence variant interpretation guidelines (Richards et al. 2015 PMID: 25741868, with internal and published modifications).

Labcorp Genetics (formerly Invitae), Labcorp
Classification: Likely benign. Last evaluated: 2025-04-21. Review status: criteria provided, single submitter. Criteria: Invitae Variant Classification Sherloc (09022015). Collection method: clinical testing. Allele origin: germline.

Blueprint Genetics
Classification: Likely benign. Last evaluated: 2024-06-19. Review status: criteria provided, single submitter. Criteria: ACMG Guidelines, 2015. Collection method: clinical testing. Allele origin: germline.

NM_004727.3(SLC24A1):c.1716C>T (p.Leu572=)

Gene: SLC24A1 (solute carrier family 24 member 1; plus strand). Cytogenetic location: 15q22.31.
Variant type: single nucleotide variant.
Coding change: c.1716C>T on transcript NM_004727.3 (MANE Select); coding-DNA position 1716, C replaced by T.
Protein change: p.Leu572=; no amino-acid change (leucine 572 retained).
Molecular consequence: synonymous variant.
Genome position (GRCh38, 1-based): chr15:65,625,796, C>T. VCF-style: chr15-65625796-C-T. GRCh37 (hg19) VCF-style: chr15-65918134-C-T.
Other names: c.1716C>T (NM_004727.2); c.1716C>T, p.Leu572= (NM_001301031.1, NM_001301032.1, NM_001301033.2).
Identifiers: ClinVar variation 1106284 (VCV001106284.11), dbSNP rs769140734, ClinGen allele CA7619964.